The following is an entry in ClinVar:

NM_198578.4(LRRK2):c.1446A>G (p.Ala482=)

Gene: LRRK2 (leucine rich repeat kinase 2; plus strand). Cytogenetic location: 12q12.
Variant type: single nucleotide variant.
Coding change: c.1446A>G on transcript NM_198578.4 (MANE Select); coding-DNA position 1446, A replaced by G.
Protein change: p.Ala482=; no amino-acid change (alanine 482 retained).
Molecular consequence: synonymous variant.
Genome position (GRCh38, 1-based): chr12:40,259,507, A>G. VCF-style: chr12-40259507-A-G. GRCh37 (hg19) VCF-style: chr12-40653309-A-G.
Identifiers: ClinVar variation 308615 (VCV000308615.38), dbSNP rs757454147, ClinGen allele CA6513375.

ClinVar aggregate classification (germline): Conflicting classifications of pathogenicity. Review status: criteria provided, conflicting classifications (1 of 4 stars). 4 submissions from 4 submitters: Uncertain significance (1); Likely benign (3). Last evaluated 2026-02-01.

Conditions:
Inborn genetic diseases. Identifiers: MedGen C0950123, MeSH D030342.
Autosomal dominant Parkinson disease 8. Also called: Parkinson disease 8, susceptibility to; LRRK2-Related Parkinson Disease; Parkinson disease 8. Identifiers: Orphanet 411602, MedGen C1846862, MONDO:0011764, OMIM 607060.

Allele frequency attached by ClinVar (database versions not stated): ExAC 0.00001; gnomAD 0.00002 and 0.00003; gnomAD exomes 0.00002; TOPMed 0.00004.
gnomAD v4.1: 21 of 1,613,232 alleles (0.0013%); highest among the groups gnomAD compares: Non-Finnish European, 0.0017%; no homozygotes.

Submissions (4):

CeGaT Center for Human Genetics Tuebingen
Classification: Likely benign. Last evaluated: 2026-02-01. Review status: criteria provided, single submitter. Criteria: CeGaT Center For Human Genetics Tuebingen Variant Classification Criteria Version 2. Collection method: clinical testing. Allele origin: germline. Affected: yes. Observed: 1 variant allele.
Comment: LRRK2: BP4, BP7

Labcorp Genetics (formerly Invitae), Labcorp
Classification: Likely benign for Autosomal dominant Parkinson disease 8. Last evaluated: 2025-11-12. Review status: criteria provided, single submitter. Criteria: Invitae Variant Classification Sherloc (09022015). Collection method: clinical testing. Allele origin: germline.

Ambry Genetics
Classification: Likely benign for Inborn genetic diseases. Last evaluated: 2022-03-14. Review status: criteria provided, single submitter. Criteria: Ambry Variant Classification Scheme 2023. Collection method: clinical testing. Allele origin: germline.

Illumina Laboratory Services, Illumina
Classification: Uncertain significance for Autosomal dominant Parkinson disease 8. Last evaluated: 2018-01-12. Review status: criteria provided, single submitter. Criteria: ICSL Variant Classification Criteria 13 December 2019. Collection method: clinical testing. Allele origin: germline.